The following is an entry in ClinVar:

ClinVar aggregate classification (germline): Uncertain significance. Review status: criteria provided, multiple submitters, no conflicts (2 of 4 stars). 2 submissions from 2 submitters: Uncertain significance (2). Last evaluated 2025-10-22.

Conditions:
Seizures, benign familial infantile, 3 (BFIS3). Also called: CONVULSIONS, BENIGN FAMILIAL INFANTILE, 3; Familial neonatal seizures. Identifiers: Orphanet 140927, Orphanet 306, MedGen C1843140, MONDO:0011904, OMIM 607745.
Developmental and epileptic encephalopathy, 11 (DEE11). Also called: Early infantile epileptic encephalopathy 11. Identifiers: Orphanet 1934, MedGen C3150987, MONDO:0013388, OMIM 613721.

Submissions (2):

GeneDx
Classification: Uncertain significance. Last evaluated: 2025-10-22. Review status: criteria provided, single submitter. Criteria: GeneDx Variant Classification Process June 2021. Collection method: clinical testing. Allele origin: germline. Affected: yes.
Comment: Not observed at significant frequency in large population cohorts (gnomAD); In silico analysis supports that this missense variant has a deleterious effect on protein structure/function; Has not been previously published as pathogenic or benign to our knowledge; This substitution is predicted to be within the intracellular loop between the S2 and S3 transmembrane segments of the first homologous domain

Labcorp Genetics (formerly Invitae), Labcorp
Classification: Uncertain significance for Seizures, benign familial infantile, 3; Developmental and epileptic encephalopathy, 11. Last evaluated: 2024-02-02. Review status: criteria provided, single submitter. Criteria: Invitae Variant Classification Sherloc (09022015). Collection method: clinical testing. Allele origin: germline.
Comment: This sequence change replaces cysteine, which is neutral and slightly polar, with tyrosine, which is neutral and polar, at codon 180 of the SCN2A protein (p.Cys180Tyr). This variant is not present in population databases (gnomAD no frequency). This variant has not been reported in the literature in individuals affected with SCN2A-related conditions. ClinVar contains an entry for this variant (Variation ID: 423182). Advanced modeling of protein sequence and biophysical properties (such as structural, functional, and spatial information, amino acid conservation, physicochemical variation, residue mobility, and thermodynamic stability) performed at Invitae indicates that this missense variant is expected to disrupt SCN2A protein function with a positive predictive value of 95%. In summary, the available evidence is currently insufficient to determine the role of this variant in disease. Therefore, it has been classified as a Variant of Uncertain Significance.

NM_001040142.2(SCN2A):c.539G>A (p.Cys180Tyr)

Gene: SCN2A (sodium voltage-gated channel alpha subunit 2; plus strand). Cytogenetic location: 2q24.3.
Variant type: single nucleotide variant.
Coding change: c.539G>A on transcript NM_001040142.2 (MANE Select); coding-DNA position 539, G replaced by A.
Protein change: p.Cys180Tyr; replaces cysteine 180 with tyrosine.
Molecular consequence: missense variant.
Genome position (GRCh38, 1-based): chr2:165,308,728, G>A. VCF-style: chr2-165308728-G-A. GRCh37 (hg19) VCF-style: chr2-166165238-G-A.
Other names: c.539G>A, p.Cys180Tyr (NM_001040143.2, NM_001371246.1, NM_001371247.1 and 1 more transcripts); short protein forms C180Y.
Identifiers: ClinVar variation 423182 (VCV000423182.10), dbSNP rs1064796281, ClinGen allele CA16617257.